The following is an entry in ClinVar:

ClinVar aggregate classification (germline): Benign/Likely benign. Review status: criteria provided, multiple submitters, no conflicts (2 of 4 stars). 3 submissions from 3 submitters: Benign (1); Likely benign (1). 1 of the submissions does not count toward it. Last evaluated 2025-03-30.

Conditions:
SOS2-related disorder. Also called: SOS2-related condition.
Noonan syndrome 9 (NS9). Identifiers: Orphanet 648, MedGen C4225282, MONDO:0014691, OMIM 616559.

Submissions (3):

Labcorp Genetics (formerly Invitae), Labcorp
Classification: Benign for Noonan syndrome 9. Last evaluated: 2025-03-30. Review status: criteria provided, single submitter. Criteria: Invitae Variant Classification Sherloc (09022015). Collection method: clinical testing. Allele origin: germline.

Blueprint Genetics
Classification: Likely benign. Last evaluated: 2024-11-04. Review status: criteria provided, single submitter. Criteria: ACMG Guidelines, 2015. Collection method: clinical testing. Allele origin: germline.

PreventionGenetics, part of Exact Sciences
Classification: Likely benign for SOS2-related condition. Last evaluated: 2020-08-17. Review status: no assertion criteria provided. Collection method: clinical testing. Allele origin: germline. Not counted in ClinVar's aggregate classification.
Comment: This variant is classified as likely benign based on ACMG/AMP sequence variant interpretation guidelines (Richards et al. 2015 PMID: 25741868, with internal and published modifications).

NM_006939.4(SOS2):c.3490-13_3490-11dup

Gene: SOS2 (SOS Ras/Rho guanine nucleotide exchange factor 2; minus strand). Cytogenetic location: 14q21.3.
Variant type: Duplication.
Coding change: c.3490-13_3490-11dup on transcript NM_006939.4 (MANE Select); 13 bases into the intron before coding-DNA position 3490 through 11 bases into the intron before coding-DNA position 3490, 3 bases duplicated (TTT; older notation c.3490-13_3490-11dupTTT).
Molecular consequence: intron variant.
Genome position (GRCh38, 1-based): chr14:50,118,857-50,118,859, AAA duplicated on the plus strand (TTT on the coding strand, the reverse complement: SOS2 is on the minus strand); duplicating any 3 consecutive bases within chr14:50,118,857-50,118,866 gives the same sequence; the c. name uses the placement nearest the transcript's 3' end. VCF-style (leftmost placement, unchanged base first): chr14-50118856-C-CAAA. GRCh37 (hg19) VCF-style: chr14-50585574-C-CAAA.
Other names: c.3490-6_3490-4dupTTT (NM_006939.3).
Identifiers: ClinVar variation 1168547 (VCV001168547.12), dbSNP rs10658395, ClinGen allele CA7176773.